The following is an entry in ClinVar:

NM_001211.6(BUB1B):c.243del (p.Arg80_Tyr81insTer)

Gene: BUB1B (BUB1 mitotic checkpoint serine/threonine kinase B; plus strand). Cytogenetic location: 15q15.1.
Variant type: Deletion.
Coding change: c.243del on transcript NM_001211.6 (MANE Select); coding-DNA position 243, one base deleted (T; older notation c.243delT).
Protein change: p.Arg80_Tyr81insTer.
Molecular consequence: nonsense.
Genome position (GRCh38, 1-based): chr15:40,170,540, T deleted. VCF-style (leftmost placement, unchanged base first): chr15-40170539-AT-A. GRCh37 (hg19) VCF-style: chr15-40462740-AT-A.
Identifiers: ClinVar variation 3577081 (VCV003577081.3).

ClinVar aggregate classification (germline): Pathogenic/Likely pathogenic. Review status: criteria provided, multiple submitters, no conflicts (2 of 4 stars). 2 submissions from 2 submitters: Pathogenic (1); Likely pathogenic (1). Last evaluated 2024-11-04.

Conditions:
Mosaic variegated aneuploidy syndrome 1 (MVA1). Also called: Warburton-Anyane-Yeboa syndrome. Identifiers: Orphanet 1052, MedGen C1850343, MONDO:0009759, OMIM 257300.
Premature chromatid separation trait (PCS). Also called: TOTAL PREMATURE CHROMATID SEPARATION TRAIT. Identifiers: MedGen C1864389, MONDO:0008304, OMIM 176430.
Colorectal cancer. Also called: Colorectal cancer, somatic; Malignant Colorectal Neoplasm. Identifiers: MedGen C0346629, MONDO:0005575, OMIM 114500.

Submissions (2):

Labcorp Genetics (formerly Invitae), Labcorp
Classification: Pathogenic for Mosaic variegated aneuploidy syndrome 1. Last evaluated: 2024-11-04. Review status: criteria provided, single submitter. Criteria: Invitae Variant Classification Sherloc (09022015). Collection method: clinical testing. Allele origin: germline.
Comment: This sequence change creates a premature translational stop signal (p.Tyr81*) in the BUB1B gene. It is expected to result in an absent or disrupted protein product. Loss-of-function variants in BUB1B are known to be pathogenic (PMID: 15475955, 21190457). This variant is not present in population databases (gnomAD no frequency). This variant has not been reported in the literature in individuals affected with BUB1B-related conditions. For these reasons, this variant has been classified as Pathogenic.

Fulgent Genetics
Classification: Likely pathogenic for Colorectal cancer; Premature chromatid separation trait; Mosaic variegated aneuploidy syndrome 1. Last evaluated: 2024-03-26. Review status: criteria provided, single submitter. Criteria: ACMG Guidelines, 2015. Collection method: clinical testing. Allele origin: germline.

Literature cited by the submitters: PubMed 15475955 (cited by Labcorp Genetics (formerly Invitae), Labcorp); PubMed 21190457 (cited by Labcorp Genetics (formerly Invitae), Labcorp).